The following is an entry in ClinVar:

ClinVar aggregate classification (germline): Uncertain significance (1 of 4 stars; one submission).

gnomAD v4.1: 2 of 1,614,206 alleles (0.00012%); highest among the groups gnomAD compares: African/African-American, 0.0013%; no homozygotes.

Submission:

GeneDx
Classification: Uncertain significance. Last evaluated: 2022-12-01. Review status: criteria provided, single submitter. Criteria: GeneDx Variant Classification Process June 2021. Collection method: clinical testing. Allele origin: germline. Affected: yes.
Comment: In silico analysis supports that this missense variant does not alter protein structure/function; Has not been previously published as pathogenic or benign to our knowledge

NM_001257180.2(SLC20A2):c.835G>A (p.Ala279Thr)

Gene: SLC20A2 (solute carrier family 20 member 2; minus strand). Cytogenetic location: 8p11.21.
Variant type: single nucleotide variant.
Coding change: c.835G>A on transcript NM_001257180.2 (MANE Select); coding-DNA position 835, G replaced by A.
Protein change: p.Ala279Thr; replaces alanine 279 with threonine.
Molecular consequence: missense variant.
Genome position (GRCh38, 1-based): chr8:42,439,549, C>T on the plus strand (G>A on the coding strand, the complement: SLC20A2 is on the minus strand). VCF-style: chr8-42439549-C-T. GRCh37 (hg19) VCF-style: chr8-42297067-C-T.
Other names: c.835G>A, p.Ala279Thr (NM_001257181.2, NM_006749.5); short protein forms A279T.
Identifiers: ClinVar variation 2504440 (VCV002504440.1), dbSNP rs1373244504, ClinGen allele CA371080835.